The following is an entry in ClinVar:

NM_018116.4(MSTO1):c.930C>T (p.Pro310=)

Gene: MSTO1 (misato mitochondrial distribution and morphology regulator 1; plus strand). Cytogenetic location: 1q22.
Variant type: single nucleotide variant.
Coding change: c.930C>T on transcript NM_018116.4 (MANE Select); coding-DNA position 930, C replaced by T.
Protein change: p.Pro310=; no amino-acid change (proline 310 retained).
Molecular consequence: synonymous variant. On other transcripts: non-coding transcript variant (6).
Genome position (GRCh38, 1-based): chr1:155,612,534, C>T. VCF-style: chr1-155612534-C-T. GRCh37 (hg19) VCF-style: chr1-155582325-C-T.
Other names: c.930C>T (NM_018116.3); c.930C>T, p.Pro310= (NM_001256532.1, NM_001256533.1, NM_001350772.1 and 3 more transcripts); c.765C>T, p.Pro255= (NM_001350776.1); c.399C>T, p.Pro133= (NM_001350777.1, NM_001350778.1, NM_001350779.1); c.396C>T, p.Pro132= (NM_001350780.1, NM_001350781.1, NM_001350782.1 and 3 more transcripts); c.387C>T, p.Pro129= (NM_001350784.1, NM_001350785.1, NM_001350787.1 and 1 more transcripts).
Identifiers: ClinVar variation 2067904 (VCV002067904.12), dbSNP rs140753725, ClinGen allele CA1148063.

ClinVar aggregate classification (germline): Likely benign. Review status: criteria provided, multiple submitters, no conflicts (2 of 4 stars). 3 submissions from 3 submitters: Likely benign (2). 1 of the submissions does not count toward it. Last evaluated 2025-10-01.

Conditions:
MSTO1-related disorder. Also called: MSTO1‑Related Disease.

Allele frequency attached by ClinVar (database versions not stated): TOPMed 0.00002; gnomAD 0.00003; ESP Exome Variant Server 0.00008; ExAC 0.00022.
gnomAD v4.1: 116 of 1,612,944 alleles (0.0072%); highest among the groups gnomAD compares: Non-Finnish European, 0.0092%; no homozygotes.

Submissions (3):

CeGaT Center for Human Genetics Tuebingen
Classification: Likely benign. Last evaluated: 2025-10-01. Review status: criteria provided, single submitter. Criteria: CeGaT Center For Human Genetics Tuebingen Variant Classification Criteria Version 2. Collection method: clinical testing. Allele origin: germline. Affected: yes. Observed: 1 variant allele.
Comment: MSTO1: BP4, BP7

Labcorp Genetics (formerly Invitae), Labcorp
Classification: Likely benign. Last evaluated: 2025-09-02. Review status: criteria provided, single submitter. Criteria: Invitae Variant Classification Sherloc (09022015). Collection method: clinical testing. Allele origin: germline.

PreventionGenetics, part of Exact Sciences
Classification: Likely benign for MSTO1-related condition. Last evaluated: 2019-06-11. Review status: no assertion criteria provided. Collection method: clinical testing. Allele origin: germline. Not counted in ClinVar's aggregate classification.
Comment: This variant is classified as likely benign based on ACMG/AMP sequence variant interpretation guidelines (Richards et al. 2015 PMID: 25741868, with internal and published modifications).